The following is an entry in ClinVar:

ClinVar aggregate classification (germline): Likely benign (1 of 4 stars; one submission).

Allele frequency attached by ClinVar (database versions not stated): gnomAD exomes below 0.00001; ExAC 0.00001.
gnomAD v4.1: 4 of 1,614,236 alleles (0.00025%); highest among the groups gnomAD compares: Non-Finnish European, 0.00034%; no homozygotes.

Submission:

CeGaT Center for Human Genetics Tuebingen
Classification: Likely benign. Last evaluated: 2022-06-01. Review status: criteria provided, single submitter. Criteria: CeGaT Center For Human Genetics Tuebingen Variant Classification Criteria Version 2. Collection method: clinical testing. Allele origin: germline. Affected: yes. Observed: 1 variant allele.
Comment: EML1: BP4, BP7

NM_004434.3(EML1):c.2310C>T (p.Cys770=)

Genes: EML1 (EMAP like 1; plus strand), LOC126862047 (BRD4-independent group 4 enhancer GRCh37_chr14:100405395-100406594; plus strand). Cytogenetic location: 14q32.2.
Variant type: single nucleotide variant.
Coding change: c.2310C>T on transcript NM_004434.3 (MANE Select); coding-DNA position 2310, C replaced by T.
Protein change: p.Cys770=; no amino-acid change (cysteine 770 retained).
Molecular consequence: synonymous variant.
Genome position (GRCh38, 1-based): chr14:99,939,315, C>T. VCF-style: chr14-99939315-C-T. GRCh37 (hg19) VCF-style: chr14-100405652-C-T.
Other names: c.2178C>T, p.Cys726= (NM_001375412.1); c.2367C>T, p.Cys789= (NM_001008707.2); c.2271C>T, p.Cys757= (NM_001375411.1).
Identifiers: ClinVar variation 2644515 (VCV002644515.24), dbSNP rs777710918, ClinGen allele CA7342913.